The following is an entry in ClinVar:

NM_001363711.2(DUOX2):c.2906G>A (p.Arg969Gln)

Gene: DUOX2 (dual oxidase 2; minus strand). Cytogenetic location: 15q21.1.
Variant type: single nucleotide variant.
Coding change: c.2906G>A on transcript NM_001363711.2 (MANE Select); coding-DNA position 2906, G replaced by A.
Protein change: p.Arg969Gln; replaces arginine 969 with glutamine.
Molecular consequence: missense variant.
Genome position (GRCh38, 1-based): chr15:45,101,220, C>T on the plus strand (G>A on the coding strand, the complement: DUOX2 is on the minus strand). VCF-style: chr15-45101220-C-T. GRCh37 (hg19) VCF-style: chr15-45393418-C-T.
Other names: c.2906G>A, p.Arg969Gln (NM_014080.5); short protein forms R969Q.
Identifiers: ClinVar variation 888208 (VCV000888208.14), dbSNP rs146664125, ClinGen allele CA7538096.

ClinVar aggregate classification (germline): Conflicting classifications of pathogenicity. Review status: criteria provided, conflicting classifications (1 of 4 stars). 4 submissions from 4 submitters: Uncertain significance (2); Likely benign (2). Last evaluated 2026-01-22.

Conditions:
DUOX2-related disorder. Also called: DUOX2-related condition.
Thyroid dyshormonogenesis 6 (TDH6). Also called: Genetic transient congenital hypothyroidism; HYPOTHYROIDISM, CONGENITAL, DUE TO DYSHORMONOGENESIS, 6; THYROID HORMONOGENESIS, GENETIC DEFECT IN, 6. Identifiers: Orphanet 226316, Orphanet 95716, MedGen C1846632, MONDO:0011792, OMIM 607200.

Allele frequency attached by ClinVar (database versions not stated): 1000 Genomes Project 30x 0.00016; 1000 Genomes Project 0.00020; TOPMed 0.00043; gnomAD 0.00053 and 0.00056; gnomAD exomes 0.00070 and 0.00095; ESP Exome Variant Server 0.00100; ExAC 0.00152.
gnomAD v4.1: 1,109 of 1,613,710 alleles (0.069%); highest among the groups gnomAD compares: Non-Finnish European, 0.08%; 2 homozygotes.

Submissions (4):

Labcorp Genetics (formerly Invitae), Labcorp
Classification: Likely benign. Last evaluated: 2026-01-22. Review status: criteria provided, single submitter. Criteria: Invitae Variant Classification Sherloc (09022015). Collection method: clinical testing. Allele origin: germline.

Blueprint Genetics
Classification: Likely benign. Last evaluated: 2024-11-20. Review status: criteria provided, single submitter. Criteria: ACMG Guidelines, 2015. Collection method: clinical testing. Allele origin: germline.

PreventionGenetics, part of Exact Sciences
Classification: Uncertain significance for DUOX2-related condition. Last evaluated: 2023-07-12. Review status: criteria provided, single submitter. Criteria: ACMG Guidelines, 2015. Collection method: clinical testing. Allele origin: germline.
Comment: The DUOX2 c.2906G>A variant is predicted to result in the amino acid substitution p.Arg969Gln. To our knowledge, this variant has not been reported in association with disease. However, it was identified in a study analyzing DUOX2 variants associated with preclinical disturbances in microbiota-immune homeostasis and increased inflammatory bowel disease risk in a presumed healthy population (Table S1, Grasberger et al. 2021. PubMed ID: 33651715). This variant is reported in 0.15% of alleles in individuals of European (Non-Finnish) descent in gnomAD. Although we suspect that this variant may be benign, at this time, the clinical significance of this variant is uncertain due to the absence of conclusive functional and genetic evidence.

Illumina Laboratory Services, Illumina
Classification: Uncertain significance for Thyroid dyshormonogenesis 6. Last evaluated: 2017-04-27. Review status: criteria provided, single submitter. Criteria: ICSL Variant Classification Criteria 13 December 2019. Collection method: clinical testing. Allele origin: germline.